The following is an entry in ClinVar:

ClinVar aggregate classification (germline): Uncertain significance (1 of 4 stars; one submission).

Submission:

Labcorp Genetics (formerly Invitae), Labcorp
Classification: Uncertain significance. Last evaluated: 2021-08-28. Review status: criteria provided, single submitter. Criteria: Invitae Variant Classification Sherloc (09022015). Collection method: clinical testing. Allele origin: germline.
Comment: This sequence change replaces threonine with methionine at codon 742 of the AEBP1 protein (p.Thr742Met). The threonine residue is moderately conserved and there is a moderate physicochemical difference between threonine and methionine. This variant is not present in population databases (ExAC no frequency). This variant has not been reported in the literature in individuals affected with AEBP1-related conditions. Algorithms developed to predict the effect of missense changes on protein structure and function (SIFT, PolyPhen-2, Align-GVGD) all suggest that this variant is likely to be tolerated. In summary, the available evidence is currently insufficient to determine the role of this variant in disease. Therefore, it has been classified as a Variant of Uncertain Significance.

NM_001129.5(AEBP1):c.2225C>T (p.Thr742Met)

Gene: AEBP1 (AE binding protein 1; plus strand). Cytogenetic location: 7p13.
Variant type: single nucleotide variant.
Coding change: c.2225C>T on transcript NM_001129.5 (MANE Select); coding-DNA position 2225, C replaced by T.
Protein change: p.Thr742Met; replaces threonine 742 with methionine.
Molecular consequence: missense variant.
Genome position (GRCh38, 1-based): chr7:44,112,565, C>T. VCF-style: chr7-44112565-C-T. GRCh37 (hg19) VCF-style: chr7-44152164-C-T.
Other names: short protein forms T742M.
Identifiers: ClinVar variation 1362070 (VCV001362070.5), dbSNP rs754107731, ClinGen allele CA367369425.
Genomic context (GRCh38, chr7:44,112,565, plus strand): 5'-GGGGATAGTGGCCGGAGCTGCAGCCCTGGCCTCACACGTGCTGGCCACTCCAGGTATCCA[C>T]GGAGGTCCGGGCCATCATTGCCTGGATGGAGAAGAACCCCTTCGTGCTGGGAGCAAATCT-3'
Protein context (NP_001120.3, residues 732-752): RYLSPDATVS[Thr742Met]EVRAIIAWME